The following is an entry in ClinVar:

NM_001378454.1(ALMS1):c.5938A>G (p.Ile1980Val)

Gene: ALMS1 (ALMS1 centrosome and basal body associated protein; plus strand). Cytogenetic location: 2p13.1.
Variant type: single nucleotide variant.
Coding change: c.5938A>G on transcript NM_001378454.1 (MANE Select); coding-DNA position 5938, A replaced by G.
Protein change: p.Ile1980Val; replaces isoleucine 1980 with valine.
Molecular consequence: missense variant.
Genome position (GRCh38, 1-based): chr2:73,452,465, A>G. VCF-style: chr2-73452465-A-G. GRCh37 (hg19) VCF-style: chr2-73679592-A-G.
Other names: c.5941A>G, p.Ile1981Val (NM_015120.4); short protein forms I1980V, I1981V.
Identifiers: ClinVar variation 3354444 (VCV003354444.1).

ClinVar aggregate classification (germline): Uncertain significance (0 of 4 stars; one submission).

Conditions:
ALMS1-related disorder. Also called: ALMS1-related condition.

gnomAD v4.1: 2 of 1,614,082 alleles (0.00012%); highest among the groups gnomAD compares: Non-Finnish European, 0.00017%; no homozygotes.

Submission:

PreventionGenetics, part of Exact Sciences
Classification: Uncertain significance for ALMS1-related condition. Last evaluated: 2024-08-14. Review status: no assertion criteria provided. Collection method: clinical testing. Allele origin: germline.
Comment: The ALMS1 c.5941A>G variant is predicted to result in the amino acid substitution p.Ile1981Val. To our knowledge, this variant has not been reported in the literature or in a large population database, indicating this variant is rare. At this time, the clinical significance of this variant is uncertain due to the absence of conclusive functional and genetic evidence.